The following is an entry in ClinVar:

NM_138927.4(SON):c.5186A>G (p.Asn1729Ser)

Gene: SON (SON DNA and RNA binding protein; plus strand). Cytogenetic location: 21q22.11.
Variant type: single nucleotide variant.
Coding change: c.5186A>G on transcript NM_138927.4 (MANE Select); coding-DNA position 5186, A replaced by G.
Protein change: p.Asn1729Ser; replaces asparagine 1729 with serine.
Molecular consequence: missense variant. On other transcripts: non-coding transcript variant (1), intron variant (1).
Genome position (GRCh38, 1-based): chr21:33,554,417, A>G. VCF-style: chr21-33554417-A-G. GRCh37 (hg19) VCF-style: chr21-34926723-A-G.
Other names: c.5186A>G, p.Asn1729Ser (NM_001291411.2, NM_001412133.1, NM_032195.3 and 2 more transcripts); c.245-2739A>G (NM_001291412.3); short protein forms N1729S.
Identifiers: ClinVar variation 2652619 (VCV002652619.24), dbSNP rs2085907517, ClinGen allele CA410164244.

ClinVar aggregate classification (germline): Uncertain significance (1 of 4 stars; one submission).

Allele frequency attached by ClinVar (database versions not stated): gnomAD exomes below 0.00001.
gnomAD v4.1: 3 of 1,614,230 alleles (0.00019%); highest among the groups gnomAD compares: Non-Finnish European, 0.00025%; no homozygotes.

Submission:

CeGaT Center for Human Genetics Tuebingen
Classification: Uncertain significance. Last evaluated: 2023-04-01. Review status: criteria provided, single submitter. Criteria: CeGaT Center For Human Genetics Tuebingen Variant Classification Criteria Version 2. Collection method: clinical testing. Allele origin: germline. Affected: yes. Observed: 1 variant allele.
Comment: SON: PM2, BP4